The following is an entry in ClinVar:

ClinVar aggregate classification (germline): Benign/Likely benign. Review status: criteria provided, multiple submitters, no conflicts (2 of 4 stars). 8 submissions from 8 submitters: Benign (4); Likely benign (3). 1 of the submissions does not count toward it. Last evaluated 2026-02-03.

Conditions:
Tuberous sclerosis 2 (TSC2). Identifiers: Orphanet 805, MedGen C1860707, MONDO:0013199, OMIM 613254.
TSC2-related disorder. Also called: TSC2-related condition; TSC2-Related Disorders.
Hereditary cancer-predisposing syndrome. Also called: Hereditary neoplastic syndrome; Neoplastic Syndromes, Hereditary; Hereditary Cancer Syndrome; Tumor predisposition. Identifiers: Orphanet 140162, MedGen C0027672, MeSH D009386, MONDO:0015356.
Tuberous sclerosis syndrome (TSC). Also called: Tuberous Sclerosis Complex; Tuberous sclerosis. Identifiers: Orphanet 805, MedGen C0041341, MONDO:0001734.

Allele frequency attached by ClinVar (database versions not stated): TOPMed 0.00002; ExAC 0.00009; gnomAD exomes 0.00009; gnomAD 0.00011 and 0.00012; ESP Exome Variant Server 0.00015.
gnomAD v4.1: 166 of 1,612,764 alleles (0.01%); highest among the groups gnomAD compares: Non-Finnish European, 0.0097%; no homozygotes.

Submissions (8):

Labcorp Genetics (formerly Invitae), Labcorp
Classification: Benign for Tuberous sclerosis 2. Last evaluated: 2026-02-03. Review status: criteria provided, single submitter. Criteria: Invitae Variant Classification Sherloc (09022015). Collection method: clinical testing. Allele origin: germline.

Myriad Genetics, Inc.
Classification: Benign for Tuberous sclerosis 2. Last evaluated: 2025-05-30. Review status: criteria provided, single submitter. Criteria: Myriad Autosomal Dominant, Autosomal Recessive and X-Linked Classification Criteria (2023). Collection method: clinical testing. Allele origin: unknown.
Comment: This variant is considered benign. This variant is intronic and is not expected to impact mRNA splicing. This variant has been observed at a population frequency that is significantly greater than expected given the associated disease prevalence and penetrance.

Color Diagnostics, LLC DBA Color Health
Classification: Benign for Tuberous sclerosis syndrome. Last evaluated: 2022-12-07. Review status: criteria provided, single submitter. Criteria: ACMG Guidelines, 2015. Collection method: clinical testing. Allele origin: germline.

Blueprint Genetics
Classification: Likely benign. Last evaluated: 2022-09-14. Review status: criteria provided, single submitter. Criteria: ACMG Guidelines, 2015. Collection method: clinical testing. Allele origin: germline.

Genome-Nilou Lab
Classification: Likely benign for Tuberous sclerosis 2. Last evaluated: 2021-11-07. Review status: criteria provided, single submitter. Criteria: ACMG Guidelines, 2015. Collection method: clinical testing. Allele origin: germline. Affected: no.

Ambry Genetics
Classification: Benign for Hereditary cancer-predisposing syndrome. Last evaluated: 2021-03-02. Review status: criteria provided, single submitter. Criteria: Ambry Variant Classification Scheme 2023. Collection method: clinical testing. Allele origin: germline.

GeneDx
Classification: Likely benign. Last evaluated: 2021-01-25. Review status: criteria provided, single submitter. Criteria: GeneDx Variant Classification Process June 2021. Collection method: clinical testing. Allele origin: germline. Affected: yes.

PreventionGenetics, part of Exact Sciences
Classification: Likely benign for TSC2-related condition. Last evaluated: 2022-05-05. Review status: no assertion criteria provided. Collection method: clinical testing. Allele origin: germline. Not counted in ClinVar's aggregate classification.
Comment: This variant is classified as likely benign based on ACMG/AMP sequence variant interpretation guidelines (Richards et al. 2015 PMID: 25741868, with internal and published modifications).

NM_000548.5(TSC2):c.3611-4G>A

Gene: TSC2 (TSC complex subunit 2; plus strand). Cytogenetic location: 16p13.3.
Variant type: single nucleotide variant.
Coding change: c.3611-4G>A on transcript NM_000548.5 (MANE Select); 4 bases into the intron before coding-DNA position 3611, G replaced by A.
Molecular consequence: intron variant.
Genome position (GRCh38, 1-based): chr16:2,081,591, G>A. VCF-style: chr16-2081591-G-A. GRCh37 (hg19) VCF-style: chr16-2131592-G-A.
Other names: c.3611-4G>A (NM_000548.4, NM_001114382.3); c.3482-4G>A (NM_021055.3, NM_001370405.1, NM_001363528.2); c.3479-4G>A (NM_001370404.1, NM_001077183.3); c.3371-4G>A (NM_001318827.2); c.2879-4G>A (NM_001318831.2); c.3335-4G>A (NM_001318829.2); c.3512-4G>A (NM_001318832.2).
Identifiers: ClinVar variation 468028 (VCV000468028.25), dbSNP rs368926908, ClinGen allele CA047853.